The following is an entry in ClinVar:

NM_004204.5(PIGQ):c.1345G>A (p.Gly449Arg)

Gene: PIGQ (phosphatidylinositol glycan anchor biosynthesis class Q; plus strand). Cytogenetic location: 16p13.3.
Variant type: single nucleotide variant.
Coding change: c.1345G>A on transcript NM_004204.5 (MANE Select); coding-DNA position 1345, G replaced by A.
Protein change: p.Gly449Arg; replaces glycine 449 with arginine.
Molecular consequence: missense variant.
Genome position (GRCh38, 1-based): chr16:580,192, G>A. VCF-style: chr16-580192-G-A. GRCh37 (hg19) VCF-style: chr16-630192-G-A.
Other names: c.1345G>A (NM_004204.3); c.1345G>A, p.Gly449Arg (NM_148920.4); short protein forms G449R.
Identifiers: ClinVar variation 587445 (VCV000587445.6), dbSNP rs1361495767, ClinGen allele CA394058689.

ClinVar aggregate classification (germline): Conflicting classifications of pathogenicity. Review status: criteria provided, conflicting classifications (1 of 4 stars). 2 submissions from 2 submitters: Likely pathogenic (1); Uncertain significance (1). Last evaluated 2024-09-04.

Allele frequency attached by ClinVar (database versions not stated): TOPMed 0.00001; gnomAD 0.00001.
gnomAD v4.1: 44 of 1,611,550 alleles (0.0027%); highest among the groups gnomAD compares: South Asian, 0.0033%; no homozygotes.

Submissions (2):

GeneDx
Classification: Likely pathogenic. Last evaluated: 2024-09-04. Review status: criteria provided, single submitter. Criteria: GeneDx Variant Classification Process June 2021. Collection method: clinical testing. Allele origin: germline.
Comment: Not observed at significant frequency in large population cohorts (gnomAD); In silico analysis supports that this missense variant has a deleterious effect on protein structure/function; Has not been previously published as pathogenic or benign to our knowledge

Genomic Research Center, Shahid Beheshti University of Medical Sciences
Classification: Uncertain significance. Last evaluated: 2018-08-07. Review status: criteria provided, single submitter. Criteria: ACMG Guidelines, 2015. Collection method: clinical testing. Allele origin: inherited. Affected: yes. Observed: 1 variant allele.